The following is an entry in ClinVar:

NM_004211.5(SLC6A5):c.2070C>T (p.Thr690=)

Gene: SLC6A5 (solute carrier family 6 member 5; plus strand). Cytogenetic location: 11p15.1.
Variant type: single nucleotide variant.
Coding change: c.2070C>T on transcript NM_004211.5 (MANE Select); coding-DNA position 2070, C replaced by T.
Protein change: p.Thr690=; no amino-acid change (threonine 690 retained).
Molecular consequence: synonymous variant.
Genome position (GRCh38, 1-based): chr11:20,646,934, C>T. VCF-style: chr11-20646934-C-T. GRCh37 (hg19) VCF-style: chr11-20668480-C-T.
Other names: c.1368C>T, p.Thr456= (NM_001318369.2).
Identifiers: ClinVar variation 304032 (VCV000304032.42), dbSNP rs144357826, ClinGen allele CA5921667.
Genomic context (GRCh38, chr11:20,646,934, plus strand): 5'-ATTCCAGCCTAACATCTTCTGGAAAGTCTGCTGGGCATTTGTAACCCCAACCATTTTAAC[C>T]GTAAGGATTTTGCATGTTTTCTTGTGCAGACAGCACCTTGCATACGTATGTGGTGTTTTA-3'
Protein context (NP_004202.4, residues 680-700): CWAFVTPTIL[Thr690=]FILCFSFYQW

ClinVar aggregate classification (germline): Benign/Likely benign. Review status: criteria provided, multiple submitters, no conflicts (2 of 4 stars). 6 submissions from 6 submitters: Benign (1); Likely benign (3). 2 of the submissions do not count toward it. Last evaluated 2026-01-31.

Conditions:
Hyperekplexia 3 (HKPX3). Also called: HYPEREKPLEXIA 3, AUTOSOMAL RECESSIVE; HYPEREKPLEXIA 3, AUTOSOMAL DOMINANT. Identifiers: Orphanet 3197, MedGen C3553288, MONDO:0013827, OMIM 614618.

Allele frequency attached by ClinVar (database versions not stated): 1000 Genomes Project 0.00140; 1000 Genomes Project 30x 0.00141; ESP Exome Variant Server 0.00254; ExAC 0.00259; gnomAD 0.00275 and 0.00278; gnomAD exomes 0.00288 and 0.00327; TOPMed 0.00301.

Submissions (6):

Labcorp Genetics (formerly Invitae), Labcorp
Classification: Benign for Hyperekplexia 3. Last evaluated: 2026-01-31. Review status: criteria provided, single submitter. Criteria: Invitae Variant Classification Sherloc (09022015). Collection method: clinical testing. Allele origin: germline.

Blueprint Genetics
Classification: Likely benign. Last evaluated: 2024-11-26. Review status: criteria provided, single submitter. Criteria: ACMG Guidelines, 2015. Collection method: clinical testing. Allele origin: germline.

CeGaT Center for Human Genetics Tuebingen
Classification: Likely benign. Last evaluated: 2022-05-01. Review status: criteria provided, single submitter. Criteria: CeGaT Center For Human Genetics Tuebingen Variant Classification Criteria Version 2. Collection method: clinical testing. Allele origin: germline. Affected: yes. Observed: 1 variant allele.
Comment: SLC6A5: BP4, BP7

Breakthrough Genomics
Classification: Likely benign. Review status: criteria provided, single submitter. Criteria: ACMG Guidelines, 2015. Collection method: not provided. Allele origin: germline. Inheritance: Autosomal dominant inheritance. Affected: yes.

Clinical Genetics DNA and cytogenetics Diagnostics Lab, Erasmus MC, Erasmus Medical Center
Classification: Likely benign. Review status: no assertion criteria provided. Collection method: clinical testing. Allele origin: germline. Affected: yes. Study: VKGL Data-share Consensus. Not counted in ClinVar's aggregate classification.

Genome Diagnostics Laboratory, University Medical Center Utrecht
Classification: Benign. Review status: no assertion criteria provided. Collection method: clinical testing. Allele origin: germline. Affected: yes. Study: VKGL Data-share Consensus. Not counted in ClinVar's aggregate classification.